The following is an entry in ClinVar:

ClinVar aggregate classification (germline): Likely pathogenic (1 of 4 stars; one submission).

Conditions:
Congenital diarrhea 7 with exudative enteropathy. Also called: Diarrhea 7. Identifiers: Orphanet 329242, MedGen C4014516, MONDO:0014375, OMIM 615863.

Submission:

Aleixo Muise Laboratory, Hospital For Sick Children
Classification: Likely pathogenic for Congenital diarrhea 7 with exudative enteropathy. Last evaluated: 2024-07-05. Review status: criteria provided, single submitter. Criteria: ACMG Guidelines, 2015. Collection method: research. Allele origin: germline. Affected: yes. Observed: 1 variant allele.
Comment: PM2;PM3;PP3;PP4

NM_012079.6(DGAT1):c.1072C>T (p.Arg358Trp)

Genes: DGAT1 (diacylglycerol O-acyltransferase 1; minus strand), LOC130001383 (ATAC-STARR-seq lymphoblastoid active region 28093; plus strand). Cytogenetic location: 8q24.3.
Variant type: single nucleotide variant.
Coding change: c.1072C>T on transcript NM_012079.6 (MANE Select); coding-DNA position 1072, C replaced by T.
Protein change: p.Arg358Trp; replaces arginine 358 with tryptophan.
Molecular consequence: missense variant.
Genome position (GRCh38, 1-based): chr8:144,317,355, G>A on the plus strand (C>T on the coding strand, the complement: DGAT1 is on the minus strand). VCF-style: chr8-144317355-G-A. GRCh37 (hg19) VCF-style: chr8-145541018-G-A.
Other names: short protein forms R358W.
Identifiers: ClinVar variation 3255348 (VCV003255348.1).
Genomic context (GRCh38, chr8:144,317,355, plus strand): 5'-CCCATCCCAGCCCCCAGGGACACCCCAGGGACACTCACCACCAGTCCCGGTAGAACTCCC[G>A]GTCTCCAAACTGCATGAGCTCAGCCACGGCATTCAGGCAGGAGTGGAAGAGCCAGTAGAA-3'
Protein context (NP_036211.2, residues 348-368): AVAELMQFGD[Arg358Trp]EFYRDWWNSE